The following is an entry in ClinVar:

ClinVar aggregate classification (germline): Uncertain significance (1 of 4 stars; one submission).

Submission:

Labcorp Genetics (formerly Invitae), Labcorp
Classification: Uncertain significance. Last evaluated: 2024-10-29. Review status: criteria provided, single submitter. Criteria: Invitae Variant Classification Sherloc (09022015). Collection method: clinical testing. Allele origin: germline.
Comment: This sequence change replaces serine, which is neutral and polar, with threonine, which is neutral and polar, at codon 381 of the MMP9 protein (p.Ser381Thr). This variant is not present in population databases (gnomAD no frequency). This variant has not been reported in the literature in individuals affected with MMP9-related conditions. Invitae Evidence Modeling of protein sequence and biophysical properties (such as structural, functional, and spatial information, amino acid conservation, physicochemical variation, residue mobility, and thermodynamic stability) indicates that this missense variant is not expected to disrupt MMP9 protein function with a negative predictive value of 80%. In summary, the available evidence is currently insufficient to determine the role of this variant in disease. Therefore, it has been classified as a Variant of Uncertain Significance.

NM_004994.3(MMP9):c.1142G>C (p.Ser381Thr)

Gene: MMP9 (matrix metallopeptidase 9; plus strand). Cytogenetic location: 20q13.12.
Variant type: single nucleotide variant.
Coding change: c.1142G>C on transcript NM_004994.3 (MANE Select); coding-DNA position 1142, G replaced by C.
Protein change: p.Ser381Thr; replaces serine 381 with threonine.
Molecular consequence: missense variant.
Genome position (GRCh38, 1-based): chr20:46,012,281, G>C. VCF-style: chr20-46012281-G-C. GRCh37 (hg19) VCF-style: chr20-44640920-G-C.
Other names: short protein forms S381T.
Identifiers: ClinVar variation 3625355 (VCV003625355.2).